The following is an entry in ClinVar:

ClinVar aggregate classification (germline): Uncertain significance (1 of 4 stars; one submission).

gnomAD v4.1: 1 of 1,613,874 alleles (0.000062%); highest among the groups gnomAD compares: Admixed American, 0.0017%; no homozygotes.

Submission:

Mayo Clinic Laboratories, Mayo Clinic
Classification: Uncertain significance. Last evaluated: 2024-09-03. Review status: criteria provided, single submitter. Criteria: ACMG Guidelines, 2015. Collection method: clinical testing. Allele origin: germline. Observed: 1 variant allele.
Comment: PM2

NM_001267550.2(TTN):c.4916A>G (p.Asp1639Gly)

Genes: TTN (titin; minus strand), LOC101927055 (uncharacterized LOC101927055; plus strand). Cytogenetic location: 2q31.2.
Variant type: single nucleotide variant.
Coding change: c.4916A>G on transcript NM_001267550.2 (MANE Select); coding-DNA position 4916, A replaced by G.
Protein change: p.Asp1639Gly; replaces aspartic acid 1639 with glycine.
Molecular consequence: missense variant. On other transcripts: non-coding transcript variant (1).
Genome position (GRCh38, 1-based): chr2:178,776,948, T>C on the plus strand (A>G on the coding strand, the complement: TTN is on the minus strand). VCF-style: chr2-178776948-T-C. GRCh37 (hg19) VCF-style: chr2-179641675-T-C.
Other names: p.Asp1639Gly; c.4916A>G, p.Asp1639Gly (NM_001256850.1, NM_133378.4, NM_133379.5); c.4778A>G, p.Asp1593Gly (NM_003319.4, NM_133432.3, NM_133437.4); short protein forms D1593G, D1639G.
Identifiers: ClinVar variation 3379391 (VCV003379391.1).